The following is an entry in ClinVar:

NM_000169.3(GLA):c.329del (p.Pro110fs)

Genes: GLA (galactosidase alpha; minus strand), RPL36A-HNRNPH2 (RPL36A-HNRNPH2 readthrough; plus strand). Cytogenetic location: Xq22.1.
Variant type: Deletion.
Coding change: c.329del on transcript NM_000169.3 (MANE Select); coding-DNA position 329, one base deleted (C; older notation c.329delC).
Protein change: p.Pro110fs; shifts the reading frame from proline 110.
Molecular consequence: frameshift variant. On other transcripts: non-coding transcript variant (3), intron variant (2).
Genome position (GRCh38, 1-based): chrX:101,403,851, G deleted on the plus strand (C on the coding strand, the reverse complement: GLA is on the minus strand); the first of 3 consecutive G bases (chrX:101,403,851-101,403,853); deleting any one gives the same sequence. VCF-style (leftmost placement, unchanged base first): chrX-101403850-AG-A. GRCh37 (hg19) VCF-style: chrX-100658838-AG-A.
Other names: c.452del, p.Pro151fs (NM_001406747.1, NM_001406749.1); c.329del, p.Pro110fs (NM_001406748.1); c.301-8083del (NM_001199973.2); c.178-8083del (NM_001199974.2); short protein forms P110fs, P151fs.
Identifiers: ClinVar variation 4086945 (VCV004086945.2).

ClinVar aggregate classification (germline): Pathogenic (1 of 4 stars; one submission).

Conditions:
Fabry disease. Also called: ALPHA-GALACTOSIDASE A DEFICIENCY; ANDERSON-FABRY DISEASE; CERAMIDE TRIHEXOSIDASE DEFICIENCY; GLA DEFICIENCY; HEREDITARY DYSTOPIC LIPIDOSIS; Angiokeratoma corporis diffusum. Identifiers: Orphanet 324, MedGen C0002986, MONDO:0010526, OMIM 301500, HP:0001071. Disease mechanism: Fabry disease is due to inactivating mutations in the X-linked GLA gene resulting in deficiency of the enzyme Alpha Galactosidase-A., loss of function.

Submission:

Genomenon, Inc
Classification: Pathogenic for Fabry disease. Last evaluated: 2026-09-08. Review status: criteria provided, single submitter. Criteria: Genomenon Sequence Variant Interpretation Standards - Updated. Collection method: curation. Allele origin: germline. Affected: yes.
Comment: GLA p.Pro110LeufsTer11 (c.329del) is a frameshift variant that is predicted to introduce a premature termination codon and result in a truncated or absent protein product. This variant has been observed in at least one proband with clinical features consistent with Fabry disease (PMID:32843101). The variant was found to segregate with disease in at least one affected family (PMID:32843101). Functional or patient cell studies have been reported (PMID:33016649;32843101). It is absent or not present at a significant frequency in gnomAD. In conclusion, we classify GLA p.Pro110LeufsTer11 (c.329del) as a pathogenic variant.

Literature cited by the submitters: PubMed 32843101; PubMed 33016649.